The following is an entry in ClinVar:

NM_024652.6(LRRK1):c.1472A>G (p.Gln491Arg)

Gene: LRRK1 (leucine rich repeat kinase 1; plus strand). Cytogenetic location: 15q26.3.
Variant type: single nucleotide variant.
Coding change: c.1472A>G on transcript NM_024652.6 (MANE Select); coding-DNA position 1472, A replaced by G.
Protein change: p.Gln491Arg; replaces glutamine 491 with arginine.
Molecular consequence: missense variant.
Genome position (GRCh38, 1-based): chr15:101,014,368, A>G. VCF-style: chr15-101014368-A-G. GRCh37 (hg19) VCF-style: chr15-101554573-A-G.
Other names: short protein forms Q491R.
Identifiers: ClinVar variation 2060273 (VCV002060273.4), dbSNP rs753186926, ClinGen allele CA7760895.

ClinVar aggregate classification (germline): Uncertain significance (1 of 4 stars; one submission).

Allele frequency attached by ClinVar (database versions not stated): gnomAD 0.00001; ExAC 0.00001; gnomAD exomes 0.00001; TOPMed 0.00001.
gnomAD v4.1: 17 of 1,613,870 alleles (0.0011%); highest among the groups gnomAD compares: Non-Finnish European, 0.0014%; no homozygotes.

Submission:

Labcorp Genetics (formerly Invitae), Labcorp
Classification: Uncertain significance. Last evaluated: 2022-07-22. Review status: criteria provided, single submitter. Criteria: Invitae Variant Classification Sherloc (09022015). Collection method: clinical testing. Allele origin: germline.
Comment: In summary, the available evidence is currently insufficient to determine the role of this variant in disease. Therefore, it has been classified as a Variant of Uncertain Significance. Algorithms developed to predict the effect of missense changes on protein structure and function (SIFT, PolyPhen-2, Align-GVGD) all suggest that this variant is likely to be tolerated. This variant has not been reported in the literature in individuals affected with LRRK1-related conditions. This variant is present in population databases (rs753186926, gnomAD 0.0009%). This sequence change replaces glutamine, which is neutral and polar, with arginine, which is basic and polar, at codon 491 of the LRRK1 protein (p.Gln491Arg).